The following is an entry in ClinVar:

ClinVar aggregate classification (germline): Uncertain significance (1 of 4 stars; one submission).

Submission:

GeneDx
Classification: Uncertain significance. Last evaluated: 2023-04-26. Review status: criteria provided, single submitter. Criteria: GeneDx Variant Classification Process June 2021. Collection method: clinical testing. Allele origin: germline. Affected: yes.
Comment: Not observed at significant frequency in large population cohorts (gnomAD); In silico analysis supports that this missense variant has a deleterious effect on protein structure/function; Identified in a family reportedly with features of Albright hereditary osteodystrophy in the published literature; however, further specific clinical details were not provided (Ringel et al., 1996); This variant is associated with the following publications: (PMID: 8699958)

NM_000516.7(GNAS):c.568T>G (p.Tyr190Asp)

Gene: GNAS (GNAS complex locus; plus strand). Cytogenetic location: 20q13.32.
Variant type: single nucleotide variant.
Coding change: c.568T>G on transcript NM_000516.7 (MANE Select); coding-DNA position 568, T replaced by G.
Protein change: p.Tyr190Asp; replaces tyrosine 190 with aspartic acid.
Molecular consequence: missense variant. On other transcripts: 3 prime UTR variant (2).
Genome position (GRCh38, 1-based): chr20:58,909,199, T>G. VCF-style: chr20-58909199-T-G. GRCh37 (hg19) VCF-style: chr20-57484254-T-G.
Other names: c.571T>G, p.Tyr191Asp (NM_001077488.5); c.523T>G, p.Tyr175Asp (NM_001077489.4); c.*429T>G (NM_001077490.3); c.391T>G, p.Tyr131Asp (NM_001309840.2, NM_001309861.2); c.472T>G, p.Tyr158Asp (NM_001410912.1); c.2452T>G, p.Tyr818Asp (NM_001410913.1); c.*474T>G (NM_016592.5); c.2497T>G, p.Tyr833Asp (NM_080425.4); and 1 more; short protein forms Y131D, Y158D, Y175D, Y176D, Y190D, Y191D, Y818D, Y833D.
Identifiers: ClinVar variation 2662740 (VCV002662740.1), dbSNP rs2517226041, ClinGen allele CA409452027.